The following is an entry in ClinVar:

NM_052947.4(ALPK2):c.536A>G (p.Asn179Ser)

Gene: ALPK2 (alpha kinase 2; minus strand). Cytogenetic location: 18q21.31.
Variant type: single nucleotide variant.
Coding change: c.536A>G on transcript NM_052947.4 (MANE Select); coding-DNA position 536, A replaced by G.
Protein change: p.Asn179Ser; replaces asparagine 179 with serine.
Molecular consequence: missense variant.
Genome position (GRCh38, 1-based): chr18:58,580,240, T>C on the plus strand (A>G on the coding strand, the complement: ALPK2 is on the minus strand). VCF-style: chr18-58580240-T-C. GRCh37 (hg19) VCF-style: chr18-56247472-T-C.
Other names: short protein forms N179S.
Identifiers: ClinVar variation 1747095 (VCV001747095.2), dbSNP rs771318192, ClinGen allele CA300927581.

ClinVar aggregate classification (germline): Uncertain significance (1 of 4 stars; one submission).

Allele frequency attached by ClinVar (database versions not stated): gnomAD exomes 0.00002.
gnomAD v4.1: 24 of 1,614,226 alleles (0.0015%); highest among the groups gnomAD compares: Non-Finnish European, 0.002%; no homozygotes.

Submission:

Ambry Genetics
Classification: Uncertain significance. Last evaluated: 2023-11-15. Review status: criteria provided, single submitter. Criteria: Ambry Variant Classification Scheme 2023. Collection method: clinical testing. Allele origin: germline.
Comment: The p.N179S variant (also known as c.536A>G), located in coding exon 3 of the ALPK2 gene, results from an A to G substitution at nucleotide position 536. The asparagine at codon 179 is replaced by serine, an amino acid with highly similar properties. This amino acid position is conserved. In addition, this alteration is predicted to be tolerated by in silico analysis. Since supporting evidence is limited at this time, the clinical significance of this alteration remains unclear.